The following is an entry in ClinVar:

ClinVar aggregate classification (germline): Uncertain significance (1 of 4 stars; one submission).

Allele frequency attached by ClinVar (database versions not stated): ExAC 0.00001; gnomAD 0.00001; gnomAD exomes 0.00001.
gnomAD v4.1: 5 of 1,611,782 alleles (0.00031%); highest among the groups gnomAD compares: South Asian, 0.0044%; no homozygotes.

Submission:

Labcorp Genetics (formerly Invitae), Labcorp
Classification: Uncertain significance. Last evaluated: 2022-07-11. Review status: criteria provided, single submitter. Criteria: Invitae Variant Classification Sherloc (09022015). Collection method: clinical testing. Allele origin: germline.
Comment: This sequence change replaces valine, which is neutral and non-polar, with alanine, which is neutral and non-polar, at codon 1070 of the C3 protein (p.Val1070Ala). The frequency data for this variant in the population databases is considered unreliable, as metrics indicate poor data quality at this position in the gnomAD database. This variant has not been reported in the literature in individuals affected with C3-related conditions. Algorithms developed to predict the effect of missense changes on protein structure and function (SIFT, PolyPhen-2, Align-GVGD) all suggest that this variant is likely to be tolerated. In summary, the available evidence is currently insufficient to determine the role of this variant in disease. Therefore, it has been classified as a Variant of Uncertain Significance.

NM_000064.4(C3):c.3209T>C (p.Val1070Ala)

Gene: C3 (complement C3; minus strand). Cytogenetic location: 19p13.3.
Variant type: single nucleotide variant.
Coding change: c.3209T>C on transcript NM_000064.4 (MANE Select); coding-DNA position 3209, T replaced by C.
Protein change: p.Val1070Ala; replaces valine 1070 with alanine.
Molecular consequence: missense variant.
Genome position (GRCh38, 1-based): chr19:6,693,433, A>G on the plus strand (T>C on the coding strand, the complement: C3 is on the minus strand). VCF-style: chr19-6693433-A-G. GRCh37 (hg19) VCF-style: chr19-6693444-A-G.
Other names: short protein forms V1070A.
Identifiers: ClinVar variation 2016059 (VCV002016059.4), dbSNP rs759701995, ClinGen allele CA9128817.